The following is an entry in ClinVar:

ClinVar aggregate classification (germline): Uncertain significance (1 of 4 stars; one submission).

Submission:

Women's Health and Genetics/Laboratory Corporation of America, LabCorp
Classification: Uncertain significance. Last evaluated: 2025-12-11. Review status: criteria provided, single submitter. Criteria: LabCorp Variant Classification Summary - May 2015. Collection method: clinical testing. Allele origin: germline.
Comment: Variant summary: The variant involves the deletion of exons 1-9 in the CYP2D6 gene. This deletion includes the entire coding sequence of the gene. As the exact proximal and distal breakpoints are unknown, it may extend beyond the annotated region of the gene to include other flanking genes. A presumed nomenclature of c.(?_-20)_(*76_?)del has been designated for the purposes of this classification. Current evidence is not sufficient to establish loss of function as a mechanism for disease. The variant was absent in 21694 control chromosomes. The available data on variant occurrences in the general population are insufficient to allow any conclusion about variant significance. To our knowledge, no occurrence of c.(?_-20)_(*76_?)del in individuals affected with CYP2D6-related conditions and no experimental evidence demonstrating its impact on protein function have been reported. No submitters have cited clinical-significance assessments for this variant to ClinVar. Based on the evidence outlined above, the variant was classified as uncertain significance.

NC_000022.10:g.(?_42522500)_(42526813_?)del

Gene: CYP2D6 (cytochrome P450 family 2 subfamily D member 6 (gene/pseudogene); minus strand). Cytogenetic location: 22q13.2.
Variant type: Deletion.
Identifiers: ClinVar variation 4688377 (VCV004688377.1).